The following is an entry in ClinVar:

NM_000428.3(LTBP2):c.1066A>C (p.Thr356Pro)

Gene: LTBP2 (latent transforming growth factor beta binding protein 2; minus strand). Cytogenetic location: 14q24.3.
Variant type: single nucleotide variant.
Coding change: c.1066A>C on transcript NM_000428.3 (MANE Select); coding-DNA position 1066, A replaced by C.
Protein change: p.Thr356Pro; replaces threonine 356 with proline.
Molecular consequence: missense variant.
Genome position (GRCh38, 1-based): chr14:74,553,018, T>G on the plus strand (A>C on the coding strand, the complement: LTBP2 is on the minus strand). VCF-style: chr14-74553018-T-G. GRCh37 (hg19) VCF-style: chr14-75019721-T-G.
Other names: short protein forms T356P.
Identifiers: ClinVar variation 2085618 (VCV002085618.4), dbSNP rs752004466, ClinGen allele CA7269993.

ClinVar aggregate classification (germline): Uncertain significance (1 of 4 stars; one submission).

Allele frequency attached by ClinVar (database versions not stated): ExAC 0.00001.
gnomAD v4.1: 17 of 1,613,972 alleles (0.0011%); highest among the groups gnomAD compares: Non-Finnish European, 0.0014%; no homozygotes.

Submission:

Labcorp Genetics (formerly Invitae), Labcorp
Classification: Uncertain significance. Last evaluated: 2022-05-12. Review status: criteria provided, single submitter. Criteria: Invitae Variant Classification Sherloc (09022015). Collection method: clinical testing. Allele origin: germline.
Comment: In summary, the available evidence is currently insufficient to determine the role of this variant in disease. Therefore, it has been classified as a Variant of Uncertain Significance. Algorithms developed to predict the effect of missense changes on protein structure and function are either unavailable or do not agree on the potential impact of this missense change (SIFT: "Deleterious"; PolyPhen-2: "Probably Damaging"; Align-GVGD: "Class C0"). This variant has not been reported in the literature in individuals affected with LTBP2-related conditions. This variant is present in population databases (rs752004466, gnomAD 0.0009%). This sequence change replaces threonine, which is neutral and polar, with proline, which is neutral and non-polar, at codon 356 of the LTBP2 protein (p.Thr356Pro).